The following is an entry in ClinVar:

ClinVar aggregate classification (germline): Uncertain significance. Review status: criteria provided, multiple submitters, no conflicts (2 of 4 stars). 2 submissions from 2 submitters: Uncertain significance (2). Last evaluated 2023-06-08.

Conditions:
Hereditary spastic paraplegia 62. Also called: Spastic paraplegia 62, autosomal recessive. Identifiers: Orphanet 401785, MedGen C4284588, MONDO:0014302, OMIM 615681.

Allele frequency attached by ClinVar (database versions not stated): ExAC 0.00001.
gnomAD v4.1: 1 of 1,613,812 alleles (0.000062%); highest among the groups gnomAD compares: Non-Finnish European, 0.000085%; no homozygotes.

Submissions (2):

GeneDx
Classification: Uncertain significance. Last evaluated: 2023-06-08. Review status: criteria provided, single submitter. Criteria: GeneDx Variant Classification Process June 2021. Collection method: clinical testing. Allele origin: germline. Affected: yes.
Comment: Not observed at significant frequency in large population cohorts (gnomAD); In silico analysis supports that this missense variant does not alter protein structure/function; Has not been previously published as pathogenic or benign to our knowledge

Labcorp Genetics (formerly Invitae), Labcorp
Classification: Uncertain significance for Hereditary spastic paraplegia 62. Last evaluated: 2022-05-15. Review status: criteria provided, single submitter. Criteria: Invitae Variant Classification Sherloc (09022015). Collection method: clinical testing. Allele origin: germline.
Comment: This sequence change replaces alanine, which is neutral and non-polar, with serine, which is neutral and polar, at codon 292 of the ERLIN1 protein (p.Ala292Ser). This variant has not been reported in the literature in individuals affected with ERLIN1-related conditions. This variant is present in population databases (rs779695614, gnomAD no frequency). In summary, the available evidence is currently insufficient to determine the role of this variant in disease. Therefore, it has been classified as a Variant of Uncertain Significance. Algorithms developed to predict the effect of missense changes on protein structure and function (SIFT, PolyPhen-2, Align-GVGD) all suggest that this variant is likely to be tolerated.

NM_006459.4(ERLIN1):c.874G>T (p.Ala292Ser)

Gene: ERLIN1 (ER lipid raft associated 1; minus strand). Cytogenetic location: 10q24.31.
Variant type: single nucleotide variant.
Coding change: c.874G>T on transcript NM_006459.4 (MANE Select); coding-DNA position 874, G replaced by T.
Protein change: p.Ala292Ser; replaces alanine 292 with serine.
Molecular consequence: missense variant. On other transcripts: non-coding transcript variant (6).
Genome position (GRCh38, 1-based): chr10:100,152,304, C>A on the plus strand (G>T on the coding strand, the complement: ERLIN1 is on the minus strand). VCF-style: chr10-100152304-C-A. GRCh37 (hg19) VCF-style: chr10-101912061-C-A.
Other names: c.874G>T, p.Ala292Ser (NM_001100626.2, NM_001347857.2, NM_001347859.2 and 2 more transcripts); c.622G>T, p.Ala208Ser (NM_001347856.2); c.394G>T, p.Ala132Ser (NM_001347858.2); c.874G>T (NM_006459.3); short protein forms A208S, A292S, A132S.
Identifiers: ClinVar variation 1896355 (VCV001896355.6), dbSNP rs779695614, ClinGen allele CA5645967.